The following is an entry in ClinVar:

NM_015178.3(RHOBTB2):c.1462A>G (p.Asn488Asp)

Gene: RHOBTB2 (Rho related BTB domain containing 2; plus strand). Cytogenetic location: 8p21.3.
Variant type: single nucleotide variant.
Coding change: c.1462A>G on transcript NM_015178.3 (MANE Select); coding-DNA position 1462, A replaced by G.
Protein change: p.Asn488Asp; replaces asparagine 488 with aspartic acid.
Molecular consequence: missense variant.
Genome position (GRCh38, 1-based): chr8:23,007,707, A>G. VCF-style: chr8-23007707-A-G. GRCh37 (hg19) VCF-style: chr8-22865220-A-G.
Other names: c.1528A>G, p.Asn510Asp (NM_001160036.2); c.1483A>G, p.Asn495Asp (NM_001160037.2); c.1462A>G, p.Asn488Asp (NM_001374791.1); short protein forms N510D, N488D, N495D.
Identifiers: ClinVar variation 521853 (VCV000521853.7), dbSNP rs1554504678, ClinGen allele CA370569429.
Genomic context (GRCh38, chr8:23,007,707, plus strand): 5'-CTCAACAATGAGGCCTTCATGAACCAGGAGATCACCAAGGCCTTCCACGTCCGCCGGACC[A>G]ACCGGGTTAAGGAGTGCTTGGCAAAAGGCACCTTCTCAGGTATGGAACAGGCTTGGAAAG-3'
Protein context (NP_055993.2, residues 478-498): ITKAFHVRRT[Asn488Asp]RVKECLAKGT

ClinVar aggregate classification (germline): Pathogenic/Likely pathogenic. Review status: criteria provided, multiple submitters, no conflicts (2 of 4 stars). 4 submissions from 4 submitters: Pathogenic (1); Likely pathogenic (2). 1 of the submissions does not count toward it. Last evaluated 2024-07-22.

Conditions:
Developmental and epileptic encephalopathy, 64. Also called: EPILEPTIC ENCEPHALOPATHY, EARLY INFANTILE, 64. Identifiers: MedGen C4693899, MONDO:0033373, OMIM 618004.
Inborn genetic diseases. Identifiers: MedGen C0950123, MeSH D030342.

Submissions (4):

Labcorp Genetics (formerly Invitae), Labcorp
Classification: Pathogenic. Last evaluated: 2024-07-22. Review status: criteria provided, single submitter. Criteria: Invitae Variant Classification Sherloc (09022015). Collection method: clinical testing. Allele origin: germline.
Comment: This sequence change replaces asparagine, which is neutral and polar, with aspartic acid, which is acidic and polar, at codon 510 of the RHOBTB2 protein (p.Asn510Asp). This variant is not present in population databases (gnomAD no frequency). This missense change has been observed in individual(s) with Rett syndrome-like (PMID: 26740508, 29276004). In at least one individual the variant was observed to be de novo. ClinVar contains an entry for this variant (Variation ID: 521853). Advanced modeling of protein sequence and biophysical properties (such as structural, functional, and spatial information, amino acid conservation, physicochemical variation, residue mobility, and thermodynamic stability) performed at Invitae indicates that this missense variant is not expected to disrupt RHOBTB2 protein function with a negative predictive value of 80%. For these reasons, this variant has been classified as Pathogenic.

SIB Swiss Institute of Bioinformatics
Classification: Likely pathogenic for Developmental and epileptic encephalopathy, 64. Last evaluated: 2018-10-15. Review status: criteria provided, single submitter. Criteria: ACMG Guidelines, 2015. Collection method: curation. Allele origin: germline.
Comment: This variant is interpreted as Likely Pathogenic, for Epileptic encephalopathy, early infantile, 64, autosomal dominant. The following ACMG Tag(s) were applied: PM2 => Absent from controls (or at extremely low frequency if recessive) in Exome Sequencing Project, 1000 Genomes Project, or Exome Aggregation Consortium. PP3 => Multiple lines of computational evidence support a deleterious effect on the gene or gene product. PM6 => Assumed de novo, but without confirmation of paternity and maternity (PubMed 29276004). PM1-Supporting => PM1 downgraded in strength to Supporting.

Ambry Genetics
Classification: Likely pathogenic for Inborn genetic diseases. Last evaluated: 2018-02-07. Review status: criteria provided, single submitter. Criteria: Ambry exome assertion method (8-5-2015). Collection method: clinical testing. Allele origin: germline. Affected: yes. Observed: 1 variant allele.

OMIM
Classification: Pathogenic for DEVELOPMENTAL AND EPILEPTIC ENCEPHALOPATHY 64. Last evaluated: 2020-11-17. Review status: no assertion criteria provided. Collection method: literature only. Allele origin: germline. Not counted in ClinVar's aggregate classification.

Literature cited by the submitters: PubMed 26740508 (cited by Labcorp Genetics (formerly Invitae), Labcorp and Ambry Genetics); PubMed 29276004 (cited by 4 submitters); PubMed 18298893 (cited by Ambry Genetics).